The following is an entry in ClinVar:

ClinVar aggregate classification (germline): Uncertain significance (1 of 4 stars; one submission).

Conditions:
ARMC5-related disorder. Also called: ARMC5-related condition.

gnomAD v4.1: 58 of 1,598,922 alleles (0.0036%); highest among the groups gnomAD compares: Admixed American, 0.041%; no homozygotes.

Submission:

PreventionGenetics, part of Exact Sciences
Classification: Uncertain significance for ARMC5-related condition. Last evaluated: 2026-09-20. Review status: criteria provided, single submitter. Criteria: ACMG Guidelines, 2015. Collection method: clinical testing. Allele origin: germline.
Comment: The ARMC5 c.1793C>G variant is predicted to result in the amino acid substitution p.Thr598Ser. To our knowledge, this variant has not been reported in the literature. This variant is reported in 0.053% of alleles in individuals of Latino descent in gnomAD. At this time, the clinical significance of this variant is uncertain due to the absence of conclusive functional and genetic evidence.

NM_001105247.2(ARMC5):c.1508C>G (p.Thr503Ser)

Gene: ARMC5 (armadillo repeat containing 5; plus strand). Cytogenetic location: 16p11.2.
Variant type: single nucleotide variant.
Coding change: c.1508C>G on transcript NM_001105247.2 (MANE Select); coding-DNA position 1508, C replaced by G.
Protein change: p.Thr503Ser; replaces threonine 503 with serine.
Molecular consequence: missense variant.
Genome position (GRCh38, 1-based): chr16:31,464,531, C>G. VCF-style: chr16-31464531-C-G. GRCh37 (hg19) VCF-style: chr16-31475852-C-G.
Other names: c.1793C>G, p.Thr598Ser (NM_001288767.2); c.1604C>G, p.Thr535Ser (NM_001301820.1); c.1508C>G, p.Thr503Ser (NM_024742.2); short protein forms T598S, T503S, T535S.
Identifiers: ClinVar variation 4983648 (VCV004983648.1).